The following is an entry in ClinVar:

ClinVar aggregate classification (germline): Uncertain significance (1 of 4 stars; one submission).

Submission:

Ambry Genetics
Classification: Uncertain significance. Last evaluated: 2023-04-19. Review status: criteria provided, single submitter. Criteria: Ambry Variant Classification Scheme 2023. Collection method: clinical testing. Allele origin: germline.
Comment: The p.G298A variant (also known as c.893G>C), located in coding exon 9 of the RAD54L gene, results from a G to C substitution at nucleotide position 893. The glycine at codon 298 is replaced by alanine, an amino acid with similar properties. This amino acid position is conserved. In addition, this alteration is predicted to be deleterious by in silico analysis. Since supporting evidence is limited at this time, the clinical significance of this alteration remains unclear.

NM_003579.4(RAD54L):c.893G>C (p.Gly298Ala)

Gene: RAD54L (RAD54 like; plus strand). Cytogenetic location: 1p34.1.
Variant type: single nucleotide variant.
Coding change: c.893G>C on transcript NM_003579.4 (MANE Select); coding-DNA position 893, G replaced by C.
Protein change: p.Gly298Ala; replaces glycine 298 with alanine.
Molecular consequence: missense variant.
Genome position (GRCh38, 1-based): chr1:46,267,460, G>C. VCF-style: chr1-46267460-G-C. GRCh37 (hg19) VCF-style: chr1-46733132-G-C.
Other names: c.893G>C, p.Gly298Ala (NM_001142548.2); c.353G>C, p.Gly118Ala (NM_001370766.1); short protein forms G118A, G298A.
Identifiers: ClinVar variation 2562795 (VCV002562795.2), dbSNP rs1660297699, ClinGen allele CA340191945.